The following is an entry in ClinVar:

NM_015559.3(SETBP1):c.1300G>C (p.Glu434Gln)

Gene: SETBP1 (SET binding protein 1; plus strand). Cytogenetic location: 18q12.3.
Variant type: single nucleotide variant.
Coding change: c.1300G>C on transcript NM_015559.3 (MANE Select); coding-DNA position 1300, G replaced by C.
Protein change: p.Glu434Gln; replaces glutamic acid 434 with glutamine.
Molecular consequence: missense variant.
Genome position (GRCh38, 1-based): chr18:44,950,640, G>C. VCF-style: chr18-44950640-G-C. GRCh37 (hg19) VCF-style: chr18-42530605-G-C.
Other names: c.1300G>C, p.Glu434Gln (NM_001379141.1, NM_001379142.1); short protein forms E434Q.
Identifiers: ClinVar variation 986157 (VCV000986157.6), dbSNP rs2071322955, ClinGen allele CA402318230.

ClinVar aggregate classification (germline): Conflicting classifications of pathogenicity. Review status: criteria provided, conflicting classifications (1 of 4 stars). 2 submissions from 2 submitters: Uncertain significance (1); Likely benign (1). Last evaluated 2026-08-28.

Conditions:
Inborn genetic diseases. Identifiers: MedGen C0950123, MeSH D030342.

Allele frequency attached by ClinVar (database versions not stated): gnomAD exomes below 0.00001.
gnomAD v4.1: 5 of 1,614,164 alleles (0.00031%); highest among the groups gnomAD compares: Middle Eastern, 0.066%; no homozygotes.

Submissions (2):

Ambry Genetics
Classification: Likely benign for Inborn genetic diseases. Last evaluated: 2026-08-28. Review status: criteria provided, single submitter. Criteria: Ambry Variant Classification Scheme 2023. Collection method: clinical testing. Allele origin: germline.

Labcorp Genetics (formerly Invitae), Labcorp
Classification: Uncertain significance. Last evaluated: 2024-10-10. Review status: criteria provided, single submitter. Criteria: Invitae Variant Classification Sherloc (09022015). Collection method: clinical testing. Allele origin: germline.
Comment: This sequence change replaces glutamic acid, which is acidic and polar, with glutamine, which is neutral and polar, at codon 434 of the SETBP1 protein (p.Glu434Gln). This variant is not present in population databases (gnomAD no frequency). This variant has not been reported in the literature in individuals affected with SETBP1-related conditions. ClinVar contains an entry for this variant (Variation ID: 986157). Invitae Evidence Modeling of protein sequence and biophysical properties (such as structural, functional, and spatial information, amino acid conservation, physicochemical variation, residue mobility, and thermodynamic stability) indicates that this missense variant is not expected to disrupt SETBP1 protein function with a negative predictive value of 80%. In summary, the available evidence is currently insufficient to determine the role of this variant in disease. Therefore, it has been classified as a Variant of Uncertain Significance.